The following is an entry in ClinVar:

ClinVar aggregate classification (germline): Conflicting classifications of pathogenicity. Review status: criteria provided, conflicting classifications (1 of 4 stars). 3 submissions from 3 submitters: Uncertain significance (2); Likely benign (1). Last evaluated 2024-12-06.

Conditions:
Majeed syndrome (MJDS). Also called: CHRONIC RECURRENT MULTIFOCAL OSTEOMYELITIS 1, WITH CONGENITAL DYSERYTHROPOIETIC ANEMIA, WITH OR WITHOUT NEUTROPHILIC DERMATOSIS; LPIN2-Related Majeed Syndrome. Identifiers: Orphanet 77297, MedGen C1864997, MONDO:0012316, OMIM 609628.

Allele frequency attached by ClinVar (database versions not stated): ExAC 0.00001; gnomAD exomes 0.00001 and 0.00002.
gnomAD v4.1: 10 of 1,613,638 alleles (0.00062%); highest among the groups gnomAD compares: Admixed American, 0.0083%; no homozygotes.

Submissions (3):

Labcorp Genetics (formerly Invitae), Labcorp
Classification: Likely benign for Majeed syndrome. Last evaluated: 2024-12-06. Review status: criteria provided, single submitter. Criteria: Invitae Variant Classification Sherloc (09022015). Collection method: clinical testing. Allele origin: germline.

Kasturba Medical College, Manipal, Kasturba Medical College, Manipal, Manipal Academy of Higher Education, Manipal, India
Classification: Uncertain significance for Majeed syndrome. Review status: criteria provided, single submitter. Criteria: ACMG Guidelines, 2015. Collection method: research. Allele origin: biparental. Inheritance: Autosomal recessive inheritance. Affected: yes. Observed: 1 homozygote.
Comment: This variant is not present in gnomAD population database and our in-house database of 2123 exomes in homozygous state. Multiple in silico tools predict the variant to be disease-causing. The clinical features observed in the proband are in concordance with Majeed syndrome. This variant is reported in a similarly affected individual with Majeed syndrome (Roy NBA et al., 2020).

Neuberg Centre For Genomic Medicine, NCGM
Classification: Uncertain significance for Majeed syndrome. Review status: criteria provided, single submitter. Criteria: ACMG Guidelines, 2015. Collection method: clinical testing. Allele origin: germline. Inheritance: Autosomal recessive inheritance. Affected: yes.
Comment: The observed missense variant c.2207G>Ap.Arg736His in the LPIN2 gene has not been reported previously as a pathogenic variant nor as a benign variant, to our knowledge. This variant is reported with the allele frequency 0.002% in the gnomAD Exomes. This variant has been reported to the ClinVar database as Likley Benign. However, no details are available for independent assessment. The amino acid Arg at position 736 is changed to a His changing protein sequence and it might alter its composition and physico- chemical properties. Multiple lines of computational evidence Polyphen - Probably damaging, SIFT - Damaging and MutationTaster - Disease causing predict a damaging effect on protein structure and function for this variant. The residue is conserved by GERP++ and PhyloP across 100 vertebrates. For these reasons, this variant has been classified as Uncertain Significance.

Literature cited by the submitters: PubMed 31377798 (cited by Kasturba Medical College, Manipal, Kasturba Medical College, Manipal, Manipal Academy of Higher Education, Manipal, India).

NM_001375808.2(LPIN2):c.2207G>A (p.Arg736His)

Gene: LPIN2 (lipin 2; minus strand). Cytogenetic location: 18p11.31.
Variant type: single nucleotide variant.
Coding change: c.2207G>A on transcript NM_001375808.2 (MANE Select); coding-DNA position 2207, G replaced by A.
Protein change: p.Arg736His; replaces arginine 736 with histidine.
Molecular consequence: missense variant.
Genome position (GRCh38, 1-based): chr18:2,922,167, C>T on the plus strand (G>A on the coding strand, the complement: LPIN2 is on the minus strand). VCF-style: chr18-2922167-C-T. GRCh37 (hg19) VCF-style: chr18-2922165-C-T.
Other names: c.2207G>A, p.Arg736His (NM_001375809.1, NM_014646.2); short protein forms R736H.
Identifiers: ClinVar variation 960969 (VCV000960969.12), dbSNP rs779519224, ClinGen allele CA8872804.